The following is an entry in ClinVar:

NM_015346.4(ZFYVE26):c.2251del (p.Glu751fs)

Gene: ZFYVE26 (zinc finger FYVE-type containing 26; minus strand). Cytogenetic location: 14q24.1.
Variant type: Deletion.
Coding change: c.2251del on transcript NM_015346.4 (MANE Select); coding-DNA position 2251, one base deleted (G; older notation c.2251delG).
Protein change: p.Glu751fs; shifts the reading frame from glutamic acid 751.
Molecular consequence: frameshift variant.
Genome position (GRCh38, 1-based): chr14:67,797,753, C deleted on the plus strand (G on the coding strand, the reverse complement: ZFYVE26 is on the minus strand); the first of 2 consecutive C bases (chr14:67,797,753-67,797,754); deleting either gives the same sequence. VCF-style (leftmost placement, unchanged base first): chr14-67797752-TC-T. GRCh37 (hg19) VCF-style: chr14-68264469-TC-T.
Other names: short protein forms E751fs.
Identifiers: ClinVar variation 1414605 (VCV001414605.6), dbSNP rs2140242274, ClinGen allele CA2573150149.

ClinVar aggregate classification (germline): Pathogenic (1 of 4 stars; one submission).

Conditions:
Spastic paraplegia. Identifiers: MedGen C0037772, HP:0001258.

Submission:

Labcorp Genetics (formerly Invitae), Labcorp
Classification: Pathogenic for Spastic paraplegia. Last evaluated: 2022-08-05. Review status: criteria provided, single submitter. Criteria: Invitae Variant Classification Sherloc (09022015). Collection method: clinical testing. Allele origin: germline.
Comment: This sequence change creates a premature translational stop signal (p.Glu751Serfs*45) in the ZFYVE26 gene. It is expected to result in an absent or disrupted protein product. Loss-of-function variants in ZFYVE26 are known to be pathogenic (PMID: 18394578, 19805727). This variant is not present in population databases (gnomAD no frequency). This variant has not been reported in the literature in individuals affected with ZFYVE26-related conditions. ClinVar contains an entry for this variant (Variation ID: 1414605). For these reasons, this variant has been classified as Pathogenic.

Literature cited by the submitters: PubMed 18394578; PubMed 19805727.